The following is an entry in ClinVar:

NM_025137.4(SPG11):c.3988C>G (p.Gln1330Glu)

Gene: SPG11 (SPG11 vesicle trafficking associated, spatacsin; minus strand). Cytogenetic location: 15q21.1.
Variant type: single nucleotide variant.
Coding change: c.3988C>G on transcript NM_025137.4 (MANE Select); coding-DNA position 3988, C replaced by G.
Protein change: p.Gln1330Glu; replaces glutamine 1330 with glutamic acid.
Molecular consequence: missense variant.
Genome position (GRCh38, 1-based): chr15:44,598,278, G>C on the plus strand (C>G on the coding strand, the complement: SPG11 is on the minus strand). VCF-style: chr15-44598278-G-C. GRCh37 (hg19) VCF-style: chr15-44890476-G-C.
Other names: c.3988C>G, p.Gln1330Glu (NM_001160227.2); short protein forms Q1330E.
Identifiers: ClinVar variation 188249 (VCV000188249.60), dbSNP rs375363608, ClinGen allele CA334439.

ClinVar aggregate classification (germline): Uncertain significance. Review status: criteria provided, multiple submitters, no conflicts (2 of 4 stars). 13 submissions from 11 submitters: Uncertain significance (13). Last evaluated 2026-09-17.

Conditions:
SPG11-related disorder. Also called: SPG11-related condition.
Charcot-Marie-Tooth disease axonal type 2X. Also called: CHARCOT-MARIE-TOOTH DISEASE, AXONAL, AUTOSOMAL RECESSIVE, TYPE 2X; CHARCOT-MARIE-TOOTH NEUROPATHY, TYPE 2X. Identifiers: Orphanet 466775, MedGen C5569024, MONDO:0014726, OMIM 616668.
Amyotrophic lateral sclerosis type 5 (ALS5). Also called: AMYOTROPHIC LATERAL SCLEROSIS 5, JUVENILE. Identifiers: Orphanet 300605, MedGen C1865864, MONDO:0011196, OMIM 602099.
Inborn genetic diseases. Identifiers: MedGen C0950123, MeSH D030342.
Hereditary spastic paraplegia. Also called: Familial spastic paraparesis. Identifiers: Orphanet 685, MedGen C0037773, MONDO:0019064. Disease mechanism: loss of function.
Hereditary spastic paraplegia 11. Also called: Spastic Paraplegia 11; Nakamura Osame syndrome; Autosomal recessive hereditary spastic paraplegia, mental impairment, and thin corpus callosum; Spastic paraplegia, mental retardation and thin corpus callosum; SPASTIC PARAPLEGIA, AUTOSOMAL RECESSIVE, COMPLICATED, WITH THIN CORPUS CALLOSUM; SPASTIC PARAPLEGIA, AUTOSOMAL RECESSIVE, WITH MENTAL IMPAIRMENT AND THIN CORPUS CALLOSUM. Identifiers: Orphanet 2822, MedGen C1858479, MONDO:0011445, OMIM 604360.

Allele frequency attached by ClinVar (database versions not stated): ESP Exome Variant Server 0.00008; TOPMed 0.00023; gnomAD 0.00025; gnomAD exomes 0.00034.
gnomAD v4.1: 544 of 1,613,132 alleles (0.034%); highest among the groups gnomAD compares: Non-Finnish European, 0.043%; no homozygotes.

Submissions (13):

PreventionGenetics, part of Exact Sciences
Classification: Uncertain significance for SPG11-related condition. Last evaluated: 2026-09-17. Review status: criteria provided, single submitter. Criteria: ACMG Guidelines, 2015. Collection method: clinical testing. Allele origin: germline.
Comment: The SPG11 c.3988C>G variant is predicted to result in the amino acid substitution p.Gln1330Glu. To our knowledge, this variant has not been reported in the literature. This variant is reported in 0.028% of alleles in individuals of European (non-Finnish) descent in gnomAD. At this time, the clinical significance of this variant is uncertain due to the absence of conclusive functional and genetic evidence.

Ambry Genetics
Classification: Uncertain significance for Inborn genetic diseases. Last evaluated: 2025-12-04. Review status: criteria provided, single submitter. Criteria: Ambry Variant Classification Scheme 2023. Collection method: clinical testing. Allele origin: germline.

Women's Health and Genetics/Laboratory Corporation of America, LabCorp
Classification: Uncertain significance. Last evaluated: 2025-05-08. Review status: criteria provided, single submitter. Criteria: LabCorp Variant Classification Summary - May 2015. Collection method: clinical testing. Allele origin: germline.
Comment: Variant summary: SPG11 c.3988C>G (p.Gln1330Glu) results in a conservative amino acid change in the encoded protein sequence. Algorithms developed to predict the effect of missense changes on protein structure and function are either unavailable or do not agree on the potential impact of this missense change. The variant allele was found at a frequency of 0.00015 in 251312 control chromosomes. This frequency is not significantly higher than estimated for a pathogenic variant in SPG11 causing Hereditary spastic paraplegia 11, allowing no conclusion about variant significance. To our knowledge, no occurrence of c.3988C>G in individuals affected with Hereditary spastic paraplegia 11 and no experimental evidence demonstrating its impact on protein function have been reported. ClinVar contains an entry for this variant (Variation ID: 188249). Based on the evidence outlined above, the variant was classified as uncertain significance.

Mayo Clinic Laboratories, Mayo Clinic
Classification: Uncertain significance. Last evaluated: 2024-11-20. Review status: criteria provided, single submitter. Criteria: ACMG Guidelines, 2015. Collection method: clinical testing. Allele origin: germline. Observed: 3 variant alleles.

CeGaT Center for Human Genetics Tuebingen
Classification: Uncertain significance. Last evaluated: 2024-10-01. Review status: criteria provided, single submitter. Criteria: CeGaT Center For Human Genetics Tuebingen Variant Classification Criteria Version 2. Collection method: clinical testing. Allele origin: germline. Affected: yes. Observed: 5 variant alleles.
Comment: SPG11: PM2, BP4

Labcorp Genetics (formerly Invitae), Labcorp
Classification: Uncertain significance for Hereditary spastic paraplegia 11. Last evaluated: 2022-08-12. Review status: criteria provided, single submitter. Criteria: Invitae Variant Classification Sherloc (09022015). Collection method: clinical testing. Allele origin: germline.
Comment: This sequence change replaces glutamine, which is neutral and polar, with glutamic acid, which is acidic and polar, at codon 1330 of the SPG11 protein (p.Gln1330Glu). This variant is present in population databases (rs375363608, gnomAD 0.03%). This variant has not been reported in the literature in individuals affected with SPG11-related conditions. ClinVar contains an entry for this variant (Variation ID: 188249). Algorithms developed to predict the effect of missense changes on protein structure and function are either unavailable or do not agree on the potential impact of this missense change (SIFT: "Tolerated"; PolyPhen-2: "Possibly Damaging"; Align-GVGD: "Class C0"). In summary, the available evidence is currently insufficient to determine the role of this variant in disease. Therefore, it has been classified as a Variant of Uncertain Significance.

Revvity Omics, Revvity
Classification: Uncertain significance. Last evaluated: 2020-12-16. Review status: criteria provided, single submitter. Criteria: ACMG Guidelines, 2015. Collection method: clinical testing. Allele origin: germline.

Genome Diagnostics Laboratory, The Hospital for Sick Children
Classification: Uncertain significance for Hereditary spastic paraplegia. Last evaluated: 2019-03-01. Review status: criteria provided, single submitter. Criteria: ACMG Guidelines, 2015. Collection method: clinical testing. Allele origin: germline. Affected: yes.

Athena Diagnostics
Classification: Uncertain significance. Last evaluated: 2018-09-20. Review status: criteria provided, single submitter. Criteria: Athena Diagnostics Criteria. Collection method: clinical testing. Allele origin: germline.

Illumina Laboratory Services, Illumina
Classification: Uncertain significance for Hereditary spastic paraplegia 11. Last evaluated: 2018-01-13. Review status: criteria provided, single submitter. Criteria: ICSL Variant Classification Criteria 13 December 2019. Collection method: clinical testing. Allele origin: germline.

Genome-Nilou Lab
Classification: Uncertain significance for Amyotrophic lateral sclerosis type 5. Review status: criteria provided, single submitter. Criteria: ACMG Guidelines, 2015. Collection method: clinical testing. Allele origin: germline.

Genome-Nilou Lab
Classification: Uncertain significance for Charcot-Marie-Tooth disease axonal type 2X. Review status: criteria provided, single submitter. Criteria: ACMG Guidelines, 2015. Collection method: clinical testing. Allele origin: germline.

Genome-Nilou Lab
Classification: Uncertain significance for Hereditary spastic paraplegia 11. Review status: criteria provided, single submitter. Criteria: ACMG Guidelines, 2015. Collection method: clinical testing. Allele origin: germline.